The following is an entry in ClinVar:

NM_015338.6(ASXL1):c.3433G>A (p.Gly1145Ser)

Gene: ASXL1 (ASXL transcriptional regulator 1; plus strand). Cytogenetic location: 20q11.21.
Variant type: single nucleotide variant.
Coding change: c.3433G>A on transcript NM_015338.6 (MANE Select); coding-DNA position 3433, G replaced by A.
Protein change: p.Gly1145Ser; replaces glycine 1145 with serine.
Molecular consequence: missense variant.
Genome position (GRCh38, 1-based): chr20:32,436,145, G>A. VCF-style: chr20-32436145-G-A. GRCh37 (hg19) VCF-style: chr20-31023948-G-A.
Other names: c.3250G>A, p.Gly1084Ser (NM_001363734.1); short protein forms G1084S, G1145S.
Identifiers: ClinVar variation 3956489 (VCV003956489.1).

ClinVar aggregate classification (germline): Uncertain significance (1 of 4 stars; one submission).

Conditions:
Inborn genetic diseases. Identifiers: MedGen C0950123, MeSH D030342.

Submission:

Ambry Genetics
Classification: Uncertain significance for Inborn genetic diseases. Last evaluated: 2025-04-25. Review status: criteria provided, single submitter. Criteria: Ambry Variant Classification Scheme 2023. Collection method: clinical testing. Allele origin: germline.
Comment: The p.G1145S variant (also known as c.3433G>A), located in coding exon 13 of the ASXL1 gene, results from a G to A substitution at nucleotide position 3433. The glycine at codon 1145 is replaced by serine, an amino acid with similar properties. This amino acid position is conserved. In addition, this alteration is predicted to be tolerated by in silico analysis. Based on the available evidence, the clinical significance of this variant remains unclear.